The following is an entry in ClinVar:

NM_002069.6(GNAI1):c.1004T>C (p.Val335Ala)

Gene: GNAI1 (G protein subunit alpha i1; plus strand). Cytogenetic location: 7q21.11.
Variant type: single nucleotide variant.
Coding change: c.1004T>C on transcript NM_002069.6 (MANE Select); coding-DNA position 1004, T replaced by C.
Protein change: p.Val335Ala; replaces valine 335 with alanine.
Molecular consequence: missense variant.
Genome position (GRCh38, 1-based): chr7:80,217,432, T>C. VCF-style: chr7-80217432-T-C. GRCh37 (hg19) VCF-style: chr7-79846748-T-C.
Other names: c.848T>C, p.Val283Ala (NM_001256414.2); short protein forms V283A, V335A.
Identifiers: ClinVar variation 4293171 (VCV004293171.1).

ClinVar aggregate classification (germline): Uncertain significance (1 of 4 stars; one submission).

Conditions:
Neurodevelopmental disorder with hypotonia, impaired speech, and behavioral abnormalities (NEDHISB). Also called: GNAI1-Related Neurodevelopmental Disorder. Identifiers: MedGen C5676975, MONDO:0859243, OMIM 619854.

Submission:

3billion
Classification: Uncertain significance for Neurodevelopmental disorder with hypotonia, impaired speech, and behavioral abnormalities. Last evaluated: 2024-07-12. Review status: criteria provided, single submitter. Criteria: ACMG Guidelines, 2015. Collection method: clinical testing. Allele origin: germline. Affected: yes.
Comment: The variant is not observed in the gnomAD v4.0.0 dataset. Predicted Consequence/Location: Missense changes are a common disease-causing mechanism. In silico tool predictions suggest damaging effect of the variant on gene or gene product [REVEL: 0.93 (>=0.6, sensitivity 0.68 and specificity 0.92); 3Cnet: 0.99 (>=0.6, sensitivity 0.72 and precision 0.9)]. Therefore, this variant is classified as VUS according to the recommendation of ACMG/AMP guideline.